The following is an entry in ClinVar:

ClinVar aggregate classification (germline): Conflicting classifications of pathogenicity. Review status: criteria provided, conflicting classifications (1 of 4 stars). 2 submissions from 2 submitters: Pathogenic (1); Uncertain significance (1). Last evaluated 2026-04-14.

Conditions:
IMPG1-related disorder. Also called: IMPG1-related condition.

Submissions (2):

PreventionGenetics, part of Exact Sciences
Classification: Uncertain significance for IMPG1-related condition. Last evaluated: 2026-04-14. Review status: criteria provided, single submitter. Criteria: ACMG Guidelines, 2015. Collection method: clinical testing. Allele origin: germline.
Comment: The IMPG1 c.1513_1514insCAGATCAGATG variant is predicted to result in a frameshift and premature protein termination (p.Asp505Alafs*19). To our knowledge, this variant has not been reported in the literature for individuals with disease. This variant is present in 0.00088% of alleles in individuals of European (Non-Finnish) descent in gnomAD. Predicted loss of function variants in IMPG1, such as this nonsense variant, are not a fully established mechanism of disease. Therefore, although we suspect that this variant may be pathogenic for autosomal recessive disease, at this time, the clinical significance of this variant is uncertain due to the absence of conclusive functional and genetic evidence.

Labcorp Genetics (formerly Invitae), Labcorp
Classification: Pathogenic. Last evaluated: 2023-07-28. Review status: criteria provided, single submitter. Criteria: Invitae Variant Classification Sherloc (09022015). Collection method: clinical testing. Allele origin: germline.
Comment: This sequence change creates a premature translational stop signal (p.Asp505Alafs*19) in the IMPG1 gene. It is expected to result in an absent or disrupted protein product. Loss-of-function variants in IMPG1 are known to be pathogenic (PMID: 23993198). This variant is present in population databases (no rsID available, gnomAD 0.002%). This variant has not been reported in the literature in individuals affected with IMPG1-related conditions. ClinVar contains an entry for this variant (Variation ID: 1517759). For these reasons, this variant has been classified as Pathogenic.

Literature cited by the submitters: PubMed 23993198 (cited by Labcorp Genetics (formerly Invitae), Labcorp).

NM_001563.4(IMPG1):c.1513_1514insCAGATCAGATG (p.Asp505fs)

Gene: IMPG1 (interphotoreceptor matrix proteoglycan 1; minus strand). Cytogenetic location: 6q14.1.
Variant type: Insertion.
Coding change: c.1513_1514insCAGATCAGATG on transcript NM_001563.4 (MANE Select); coding-DNA positions 1513 to 1514, CAGATCAGATG inserted.
Protein change: p.Asp505fs; shifts the reading frame from aspartic acid 505.
Molecular consequence: frameshift variant.
Genome position: GRCh38 VCF-style: chr6-75950872-T-TCATCTGATCTG. GRCh37 (hg19) VCF-style: chr6-76660589-T-TCATCTGATCTG.
Other names: c.1513_1514insCAGATCAGATG (NM_001563.3); c.1279_1280insCAGATCAGATG, p.Asp427fs (NM_001282368.2); short protein forms D505fs, D427fs.
Identifiers: ClinVar variation 1517759 (VCV001517759.7), dbSNP rs1323803461, ClinGen allele CA568598599.